The following is an entry in ClinVar:

ClinVar aggregate classification (germline): Uncertain significance. Review status: criteria provided, multiple submitters, no conflicts (2 of 4 stars). 2 submissions from 2 submitters: Uncertain significance (2). Last evaluated 2024-11-20.

Conditions:
Pheochromocytoma. Also called: MAX-Related Hereditary Paraganglioma-Pheochromocytoma Syndrome. Identifiers: Orphanet 29072, MedGen C0031511, MONDO:0008233, OMIM 171300, HP:0002666.
Gastrointestinal stromal tumor. Also called: Gastrointestinal stromal tumor, somatic; Gastrointestinal stroma tumor. Identifiers: Orphanet 44890, MedGen C0238198, MeSH D046152, MONDO:0011719, OMIM 606764, HP:0100723.
Pheochromocytoma/paraganglioma syndrome 4. Also called: CAROTID BODY TUMORS AND MULTIPLE EXTRAADRENAL PHEOCHROMOCYTOMAS; SDHB-Related Hereditary Paraganglioma-Pheochromocytoma Syndrome (Paragangliomas 4); Paragangliomas 4; SDHB-Related Hereditary Paraganglioma-Pheochromocytoma Syndrome; PARAGANGLIOMA, FAMILIAL MALIGNANT; PARAGANGLIOMAS, HEREDITARY EXTRAADRENAL. Identifiers: Orphanet 29072, MedGen C1861848, MONDO:0007273, OMIM 115310.
Hereditary cancer-predisposing syndrome. Also called: Tumor predisposition; Neoplastic Syndromes, Hereditary; Hereditary neoplastic syndrome; Hereditary Cancer Syndrome. Identifiers: Orphanet 140162, MedGen C0027672, MeSH D009386, MONDO:0015356.

Allele frequency attached by ClinVar (database versions not stated): gnomAD exomes below 0.00001.
gnomAD v4.1: 1 of 1,613,208 alleles (0.000062%); highest among the groups gnomAD compares: South Asian, 0.0011%; no homozygotes.

Submissions (2):

Ambry Genetics
Classification: Uncertain significance for Hereditary cancer-predisposing syndrome. Last evaluated: 2024-11-20. Review status: criteria provided, single submitter. Criteria: Ambry Variant Classification Scheme 2023. Collection method: clinical testing. Allele origin: germline.
Comment: The p.L18F variant (also known as c.52C>T), located in coding exon 1 of the SDHB gene, results from a C to T substitution at nucleotide position 52. The leucine at codon 18 is replaced by phenylalanine, an amino acid with highly similar properties. This amino acid position is poorly conserved in available vertebrate species. In addition, this alteration is predicted to be tolerated by in silico analysis. Based on the available evidence, the clinical significance of this variant remains unclear.

Labcorp Genetics (formerly Invitae), Labcorp
Classification: Uncertain significance for Gastrointestinal stromal tumor; Pheochromocytoma/paraganglioma syndrome 4; Pheochromocytoma. Last evaluated: 2023-06-21. Review status: criteria provided, single submitter. Criteria: Invitae Variant Classification Sherloc (09022015). Collection method: clinical testing. Allele origin: germline.
Comment: In summary, the available evidence is currently insufficient to determine the role of this variant in disease. Therefore, it has been classified as a Variant of Uncertain Significance. Advanced modeling of protein sequence and biophysical properties (such as structural, functional, and spatial information, amino acid conservation, physicochemical variation, residue mobility, and thermodynamic stability) performed at Invitae indicates that this missense variant is not expected to disrupt SDHB protein function. ClinVar contains an entry for this variant (Variation ID: 1060614). This variant has not been reported in the literature in individuals affected with SDHB-related conditions. This variant is not present in population databases (gnomAD no frequency). This sequence change replaces leucine, which is neutral and non-polar, with phenylalanine, which is neutral and non-polar, at codon 18 of the SDHB protein (p.Leu18Phe).

NM_003000.3(SDHB):c.52C>T (p.Leu18Phe)

Genes: SDHB (succinate dehydrogenase complex iron sulfur subunit B; minus strand), LOC129929542 (ATAC-STARR-seq lymphoblastoid active region 277; plus strand). Cytogenetic location: 1p36.13.
Variant type: single nucleotide variant.
Coding change: c.52C>T on transcript NM_003000.3 (MANE Select); coding-DNA position 52, C replaced by T.
Protein change: p.Leu18Phe; replaces leucine 18 with phenylalanine.
Molecular consequence: missense variant.
Genome position (GRCh38, 1-based): chr1:17,053,968, G>A on the plus strand (C>T on the coding strand, the complement: SDHB is on the minus strand). VCF-style: chr1-17053968-G-A. GRCh37 (hg19) VCF-style: chr1-17380463-G-A.
Other names: c.52C>T (NM_003000.2); short protein forms L18F.
Identifiers: ClinVar variation 1060614 (VCV001060614.6), dbSNP rs2101551686, ClinGen allele CA338230679.